The following is an entry in ClinVar:

ClinVar aggregate classification (germline): Uncertain significance (1 of 4 stars; one submission).

Conditions:
TSC2-related disorder. Also called: TSC2-Related Disorders; TSC2-related condition.

Submission:

PreventionGenetics, part of Exact Sciences
Classification: Uncertain significance for TSC2-related condition. Last evaluated: 2022-12-01. Review status: criteria provided, single submitter. Criteria: ACMG Guidelines, 2015. Collection method: clinical testing. Allele origin: germline.
Comment: The TSC2 c.2468T>A variant is predicted to result in the amino acid substitution p.Leu823Gln. To our knowledge, this variant has not been reported in the literature or in a large population database, indicating this variant is rare. At this time, the clinical significance of this variant is uncertain due to the absence of conclusive functional and genetic evidence.

NM_000548.5(TSC2):c.2468T>A (p.Leu823Gln)

Gene: TSC2 (TSC complex subunit 2; plus strand). Cytogenetic location: 16p13.3.
Variant type: single nucleotide variant.
Coding change: c.2468T>A on transcript NM_000548.5 (MANE Select); coding-DNA position 2468, T replaced by A.
Protein change: p.Leu823Gln; replaces leucine 823 with glutamine.
Molecular consequence: missense variant. On other transcripts: non-coding transcript variant (5).
Genome position (GRCh38, 1-based): chr16:2,074,312, T>A. VCF-style: chr16-2074312-T-A. GRCh37 (hg19) VCF-style: chr16-2124313-T-A.
Other names: c.2468T>A, p.Leu823Gln (NM_001077183.3, NM_001114382.3, NM_001363528.2 and 6 more transcripts); c.2357T>A, p.Leu786Gln (NM_001318827.2, NM_001406670.1, NM_001406678.1); c.2321T>A, p.Leu774Gln (NM_001318829.2, NM_001406675.1, NM_001406676.1 and 1 more transcripts); c.1868T>A, p.Leu623Gln (NM_001318831.2, NM_001406680.1, NM_001406682.1 and 6 more transcripts); c.2501T>A, p.Leu834Gln (NM_001318832.2); c.2558T>A, p.Leu853Gln (NM_001406667.1, NM_001406668.1); c.2456T>A, p.Leu819Gln (NM_001406671.1, NM_001406673.1); c.2411T>A, p.Leu804Gln (NM_001406677.1); and 3 more; short protein forms L289Q, L375Q, L623Q, L669Q, L774Q, L786Q, L804Q, L819Q.
Identifiers: ClinVar variation 2635392 (VCV002635392.1), dbSNP rs2151352777, ClinGen allele CA394277618.